The following is an entry in ClinVar:

ClinVar aggregate classification (germline): Uncertain significance (1 of 4 stars; one submission).

Submission:

Labcorp Genetics (formerly Invitae), Labcorp
Classification: Uncertain significance. Last evaluated: 2021-11-14. Review status: criteria provided, single submitter. Criteria: Invitae Variant Classification Sherloc (09022015). Collection method: clinical testing. Allele origin: germline.
Comment: In summary, the available evidence is currently insufficient to determine the role of this variant in disease. Therefore, it has been classified as a Variant of Uncertain Significance. Algorithms developed to predict the effect of missense changes on protein structure and function (SIFT, PolyPhen-2, Align-GVGD) all suggest that this variant is likely to be tolerated. This variant has not been reported in the literature in individuals affected with CACNA1D-related conditions. This variant is not present in population databases (gnomAD no frequency). This sequence change replaces alanine, which is neutral and non-polar, with serine, which is neutral and polar, at codon 1752 of the CACNA1D protein (p.Ala1752Ser).

NM_001128840.3(CACNA1D):c.5194G>T (p.Ala1732Ser)

Gene: CACNA1D (calcium voltage-gated channel subunit alpha1 D; plus strand). Cytogenetic location: 3p21.1.
Variant type: single nucleotide variant.
Coding change: c.5194G>T on transcript NM_001128840.3 (MANE Select); coding-DNA position 5194, G replaced by T.
Protein change: p.Ala1732Ser; replaces alanine 1732 with serine.
Molecular consequence: missense variant.
Genome position (GRCh38, 1-based): chr3:53,801,211, G>T. VCF-style: chr3-53801211-G-T. GRCh37 (hg19) VCF-style: chr3-53835238-G-T.
Other names: c.5254G>T, p.Ala1752Ser (NM_000720.4); c.5149G>T, p.Ala1717Ser (NM_001128839.3); short protein forms A1732S, A1752S, A1717S.
Identifiers: ClinVar variation 1519638 (VCV001519638.6), dbSNP rs2106778911, ClinGen allele CA353250488.